The following is an entry in ClinVar:

ClinVar aggregate classification (germline): Pathogenic/Likely pathogenic. Review status: criteria provided, multiple submitters, no conflicts (2 of 4 stars). 2 submissions from 2 submitters: Pathogenic (1); Likely pathogenic (1). Last evaluated 2024-06-23.

Conditions:
Renal tubular acidosis, distal, 3, with or without sensorineural hearing loss (DRTA3). Identifiers: MedGen C5399980, MONDO:0011268, OMIM 602722.

Allele frequency attached by ClinVar (database versions not stated): gnomAD exomes 0.00002 and 0.00003; gnomAD 0.00003 and 0.00004; TOPMed 0.00005.
gnomAD v4.1: 44 of 1,611,992 alleles (0.0027%); highest among the groups gnomAD compares: Non-Finnish European, 0.0037%; no homozygotes.

Submissions (2):

Fulgent Genetics
Classification: Likely pathogenic for Renal tubular acidosis, distal, 3, with or without sensorineural hearing loss. Last evaluated: 2024-06-23. Review status: criteria provided, single submitter. Criteria: ACMG Guidelines, 2015. Collection method: clinical testing. Allele origin: germline.

Labcorp Genetics (formerly Invitae), Labcorp
Classification: Pathogenic. Last evaluated: 2024-01-11. Review status: criteria provided, single submitter. Criteria: Invitae Variant Classification Sherloc (09022015). Collection method: clinical testing. Allele origin: germline.
Comment: This sequence change affects a donor splice site in intron 14 of the ATP6V0A4 gene. It is expected to disrupt RNA splicing. Variants that disrupt the donor or acceptor splice site typically lead to a loss of protein function (PMID: 16199547), and loss-of-function variants in ATP6V0A4 are known to be pathogenic (PMID: 12414817, 16611712). This variant is present in population databases (rs766587351, gnomAD 0.003%). Disruption of this splice site has been observed in individual(s) with distal renal tubular acidosis (PMID: 28233610). In at least one individual the data is consistent with being in trans (on the opposite chromosome) from a pathogenic variant. ClinVar contains an entry for this variant (Variation ID: 1070788). Algorithms developed to predict the effect of sequence changes on RNA splicing suggest that this variant may disrupt the consensus splice site. For these reasons, this variant has been classified as Pathogenic.

Literature cited by the submitters: PubMed 16199547 (cited by Labcorp Genetics (formerly Invitae), Labcorp); PubMed 12414817 (cited by Labcorp Genetics (formerly Invitae), Labcorp); PubMed 16611712 (cited by Labcorp Genetics (formerly Invitae), Labcorp); PubMed 28233610 (cited by Labcorp Genetics (formerly Invitae), Labcorp).

NM_020632.3(ATP6V0A4):c.1478+2T>G

Gene: ATP6V0A4 (ATPase H+ transporting V0 subunit a4; minus strand). Cytogenetic location: 7q34.
Variant type: single nucleotide variant.
Coding change: c.1478+2T>G on transcript NM_020632.3 (MANE Select); the canonical splice donor site of the intron after coding-DNA position 1478, T replaced by G.
Molecular consequence: splice donor variant.
Genome position (GRCh38, 1-based): chr7:138,745,121, A>C on the plus strand (T>G on the coding strand, the complement: ATP6V0A4 is on the minus strand). VCF-style: chr7-138745121-A-C. GRCh37 (hg19) VCF-style: chr7-138429866-A-C.
Other names: c.1478+2T>G (NM_130840.3, NM_130841.3).
Identifiers: ClinVar variation 1070788 (VCV001070788.11), dbSNP rs766587351, ClinGen allele CA167113352.